The following is an entry in ClinVar:

ClinVar aggregate classification (germline): Uncertain significance (1 of 4 stars; one submission).

Submission:

GeneDx
Classification: Uncertain significance. Last evaluated: 2023-10-26. Review status: criteria provided, single submitter. Criteria: GeneDx Variant Classification Process June 2021. Collection method: clinical testing. Allele origin: germline. Affected: yes.
Comment: Not observed at significant frequency in large population cohorts (gnomAD); In silico analysis supports that this missense variant has a deleterious effect on protein structure/function; Has not been previously published as pathogenic or benign to our knowledge

NM_000937.5(POLR2A):c.1184C>A (p.Thr395Asn)

Gene: POLR2A (RNA polymerase II subunit A; plus strand). Cytogenetic location: 17p13.1.
Variant type: single nucleotide variant.
Coding change: c.1184C>A on transcript NM_000937.5 (MANE Select); coding-DNA position 1184, C replaced by A.
Protein change: p.Thr395Asn; replaces threonine 395 with asparagine.
Molecular consequence: missense variant.
Genome position (GRCh38, 1-based): chr17:7,497,852, C>A. VCF-style: chr17-7497852-C-A. GRCh37 (hg19) VCF-style: chr17-7401171-C-A.
Other names: short protein forms T395N.
Identifiers: ClinVar variation 3363600 (VCV003363600.1).